The following is an entry in ClinVar:

NM_004171.4(SLC1A2):c.1390A>G (p.Ile464Val)

Gene: SLC1A2 (solute carrier family 1 member 2; minus strand). Cytogenetic location: 11p13.
Variant type: single nucleotide variant.
Coding change: c.1390A>G on transcript NM_004171.4 (MANE Select); coding-DNA position 1390, A replaced by G.
Protein change: p.Ile464Val; replaces isoleucine 464 with valine.
Molecular consequence: missense variant.
Genome position (GRCh38, 1-based): chr11:35,280,898, T>C on the plus strand (A>G on the coding strand, the complement: SLC1A2 is on the minus strand). VCF-style: chr11-35280898-T-C. GRCh37 (hg19) VCF-style: chr11-35302445-T-C.
Other names: c.1363A>G, p.Ile455Val (NM_001195728.3, NM_001252652.2); short protein forms I464V, I455V.
Identifiers: ClinVar variation 3656398 (VCV003656398.2).

ClinVar aggregate classification (germline): Uncertain significance (1 of 4 stars; one submission).

Submission:

Labcorp Genetics (formerly Invitae), Labcorp
Classification: Uncertain significance. Last evaluated: 2024-06-24. Review status: criteria provided, single submitter. Criteria: Invitae Variant Classification Sherloc (09022015). Collection method: clinical testing. Allele origin: germline.
Comment: This sequence change replaces isoleucine, which is neutral and non-polar, with valine, which is neutral and non-polar, at codon 464 of the SLC1A2 protein (p.Ile464Val). This variant is not present in population databases (gnomAD no frequency). This variant has not been reported in the literature in individuals affected with SLC1A2-related conditions. Advanced modeling of protein sequence and biophysical properties (such as structural, functional, and spatial information, amino acid conservation, physicochemical variation, residue mobility, and thermodynamic stability) performed at Invitae indicates that this missense variant is not expected to disrupt SLC1A2 protein function with a negative predictive value of 80%. In summary, the available evidence is currently insufficient to determine the role of this variant in disease. Therefore, it has been classified as a Variant of Uncertain Significance.